The following is an entry in ClinVar:

ClinVar aggregate classification (germline): Uncertain significance (1 of 4 stars; one submission).

Submission:

GeneDx
Classification: Uncertain significance. Last evaluated: 2024-08-20. Review status: criteria provided, single submitter. Criteria: GeneDx Variant Classification Process June 2021. Collection method: clinical testing. Allele origin: germline. Affected: yes.
Comment: Not observed at significant frequency in large population cohorts (gnomAD); In silico analysis indicates that this missense variant does not alter protein structure/function; Has not been previously published as pathogenic or benign to our knowledge

NM_018026.4(PACS1):c.266G>T (p.Gly89Val)

Genes: PACS1 (phosphofurin acidic cluster sorting protein 1; plus strand), LOC130006099 (ATAC-STARR-seq lymphoblastoid silent region 3575; plus strand). Cytogenetic location: 11q13.1.
Variant type: single nucleotide variant.
Coding change: c.266G>T on transcript NM_018026.4 (MANE Select); coding-DNA position 266, G replaced by T.
Protein change: p.Gly89Val; replaces glycine 89 with valine.
Molecular consequence: missense variant.
Genome position (GRCh38, 1-based): chr11:66,070,752, G>T. VCF-style: chr11-66070752-G-T. GRCh37 (hg19) VCF-style: chr11-65838223-G-T.
Other names: short protein forms G89V.
Identifiers: ClinVar variation 3764320 (VCV003764320.1).